The following is an entry in ClinVar:

NM_024642.5(GALNT12):c.1658A>G (p.Lys553Arg)

Gene: GALNT12 (polypeptide N-acetylgalactosaminyltransferase 12; plus strand). Cytogenetic location: 9q22.33.
Variant type: single nucleotide variant.
Coding change: c.1658A>G on transcript NM_024642.5 (MANE Select); coding-DNA position 1658, A replaced by G.
Protein change: p.Lys553Arg; replaces lysine 553 with arginine.
Molecular consequence: missense variant.
Genome position (GRCh38, 1-based): chr9:98,849,004, A>G. VCF-style: chr9-98849004-A-G. GRCh37 (hg19) VCF-style: chr9-101611286-A-G.
Other names: short protein forms K553R.
Identifiers: ClinVar variation 1413999 (VCV001413999.8), dbSNP rs2118522958, ClinGen allele CA374222992.

ClinVar aggregate classification (germline): Uncertain significance (1 of 4 stars; one submission).

Submission:

Labcorp Genetics (formerly Invitae), Labcorp
Classification: Uncertain significance. Last evaluated: 2020-12-08. Review status: criteria provided, single submitter. Criteria: Invitae Variant Classification Sherloc (09022015). Collection method: clinical testing. Allele origin: germline.
Comment: In summary, the available evidence is currently insufficient to determine the role of this variant in disease. Therefore, it has been classified as a Variant of Uncertain Significance. Algorithms developed to predict the effect of missense changes on protein structure and function (SIFT, PolyPhen-2, Align-GVGD) all suggest that this variant is likely to be tolerated, but these predictions have not been confirmed by published functional studies and their clinical significance is uncertain. This variant has not been reported in the literature in individuals with GALNT12-related conditions. This variant is not present in population databases (ExAC no frequency). This sequence change replaces lysine with arginine at codon 553 of the GALNT12 protein (p.Lys553Arg). The lysine residue is moderately conserved and there is a small physicochemical difference between lysine and arginine.